The following is an entry in ClinVar:

NM_001793.6(CDH3):c.331G>T (p.Val111Phe)

Gene: CDH3 (cadherin 3; plus strand). Cytogenetic location: 16q22.1.
Variant type: single nucleotide variant.
Coding change: c.331G>T on transcript NM_001793.6 (MANE Select); coding-DNA position 331, G replaced by T.
Protein change: p.Val111Phe; replaces valine 111 with phenylalanine.
Molecular consequence: missense variant.
Genome position (GRCh38, 1-based): chr16:68,678,218, G>T. VCF-style: chr16-68678218-G-T. GRCh37 (hg19) VCF-style: chr16-68712121-G-T.
Other names: c.331G>T, p.Val111Phe (NM_001317195.3); c.166G>T, p.Val56Phe (NM_001317196.2); short protein forms V56F, V111F.
Identifiers: ClinVar variation 1947113 (VCV001947113.5), dbSNP rs1048263452, ClinGen allele CA283271821.

ClinVar aggregate classification (germline): Uncertain significance (1 of 4 stars; one submission).

Allele frequency attached by ClinVar (database versions not stated): gnomAD exomes below 0.00001; TOPMed 0.00001; gnomAD 0.00002.
gnomAD v4.1: 4 of 1,613,748 alleles (0.00025%); highest among the groups gnomAD compares: African/African-American, 0.0053%; no homozygotes.

Submission:

Labcorp Genetics (formerly Invitae), Labcorp
Classification: Uncertain significance. Last evaluated: 2022-04-26. Review status: criteria provided, single submitter. Criteria: Invitae Variant Classification Sherloc (09022015). Collection method: clinical testing. Allele origin: germline.
Comment: In summary, the available evidence is currently insufficient to determine the role of this variant in disease. Therefore, it has been classified as a Variant of Uncertain Significance. Algorithms developed to predict the effect of missense changes on protein structure and function output the following: SIFT: "Not Available"; PolyPhen-2: "Benign"; Align-GVGD: "Not Available". The phenylalanine amino acid residue is found in multiple mammalian species, which suggests that this missense change does not adversely affect protein function. This variant has not been reported in the literature in individuals affected with CDH3-related conditions. This variant is present in population databases (no rsID available, gnomAD 0.02%). This sequence change replaces valine, which is neutral and non-polar, with phenylalanine, which is neutral and non-polar, at codon 111 of the CDH3 protein (p.Val111Phe).